The following is an entry in ClinVar:

ClinVar aggregate classification (germline): Conflicting classifications of pathogenicity. Review status: criteria provided, conflicting classifications (1 of 4 stars). 7 submissions from 7 submitters: Likely pathogenic (1); Uncertain significance (5). 1 of the submissions does not count toward it. Last evaluated 2026-03-27.

Conditions:
Congenital myasthenic syndrome (CMS). Also called: Congenital Myasthenic Syndromes. Identifiers: Orphanet 590, MedGen C0751882, MeSH D020294, MONDO:0018940.
Congenital myasthenic syndrome 4A. Also called: Myasthenic syndrome, congenital, 4a, slow-channel; CONGENITAL MYASTHENIC SYNDROME TYPE Ia1; MYASTHENIC SYNDROME, CONGENITAL, 4A, SLOW-CHANNEL, AUTOSOMAL RECESSIVE. Identifiers: Orphanet 590, MedGen C4225413, MONDO:0011600, OMIM 605809.
Congenital myasthenic syndrome 4C (CMS4C). Also called: Myasthenic syndrome, congenital, associated with acetylcholine receptor deficiency. Identifiers: Orphanet 590, MedGen C1837091, MONDO:0012157, OMIM 608931.
Congenital myasthenic syndrome 4B. Also called: Myasthenic syndrome, congenital, 4b, fast-channel. Identifiers: Orphanet 590, MedGen C4225369, MONDO:0014586, OMIM 616324.

Allele frequency attached by ClinVar (database versions not stated): TOPMed 0.00002; ExAC 0.00002; gnomAD exomes 0.00003 and 0.00002; gnomAD 0.00002.
gnomAD v4.1: 46 of 1,613,994 alleles (0.0029%); highest among the groups gnomAD compares: Middle Eastern, 0.016%; no homozygotes.

Submissions (7):

Dasa
Classification: Uncertain significance. Last evaluated: 2026-03-27. Review status: criteria provided, single submitter. Criteria: DASA Assertion Criteria. Collection method: clinical testing. Allele origin: germline.
Comment: NM_000080.4(CHRNE):c.118C>T (p.Arg40Trp) is a missense variant that results in the substitution of arginine with tryptophan. This variant is rare in population databases. Computational prediction algorithms are consistent with a deleterious effect. The currently available literature and clinical evidence are not sufficient to establish a definitive association between this variant and the reported condition. Therefore, this variant is classified as a variant of uncertain significance.

Natera, Inc.
Classification: Likely pathogenic for Congenital myasthenic syndrome. Last evaluated: 2025-10-16. Review status: criteria provided, single submitter. Criteria: Natera Variant Classification Schema (03/2026). Collection method: clinical testing. Allele origin: germline.
Comment: The c.118C>T variant in CHRNE is a missense variant predicted to cause substitution of arginine to tryptophan at amino acid 40. This variant is rare in the general population with a frequency below the threshold expected for the associated phenotype(s). This variant has been observed in one or more individuals affected with the associated recessive disease, as either homozygous or compound heterozygous with a second variant (PMID: 36891870). Additionally, this variant has been observed to segregate in affected family members (PMID: 36891870). Functional studies show that this variant may disrupt protein function (PMID: 36891870). Computational prediction algorithms indicate this variant is likely to affect gene or protein function. Given the available evidence, this variant is classified as Likely Pathogenic.

Labcorp Genetics (formerly Invitae), Labcorp
Classification: Uncertain significance for Congenital myasthenic syndrome 4A. Last evaluated: 2025-07-09. Review status: criteria provided, single submitter. Criteria: Invitae Variant Classification Sherloc (09022015). Collection method: clinical testing. Allele origin: germline.
Comment: This sequence change replaces arginine, which is basic and polar, with tryptophan, which is neutral and slightly polar, at codon 40 of the CHRNE protein (p.Arg40Trp). This variant is present in population databases (rs754001856, gnomAD 0.003%). This missense change has been observed in individual(s) with clinical features of autosomal recessive congenital myasthenic syndrome (internal data). In at least one individual the data is consistent with being in trans (on the opposite chromosome) from a pathogenic variant. ClinVar contains an entry for this variant (Variation ID: 500208). Invitae Evidence Modeling of protein sequence and biophysical properties (such as structural, functional, and spatial information, amino acid conservation, physicochemical variation, residue mobility, and thermodynamic stability) indicates that this missense variant is expected to disrupt CHRNE protein function with a positive predictive value of 80%. In summary, the available evidence is currently insufficient to determine the role of this variant in disease. Therefore, it has been classified as a Variant of Uncertain Significance.

Fulgent Genetics
Classification: Uncertain significance for Congenital myasthenic syndrome 4A; Congenital myasthenic syndrome 4C; Congenital myasthenic syndrome 4B. Last evaluated: 2021-09-28. Review status: criteria provided, single submitter. Criteria: ACMG Guidelines, 2015. Collection method: clinical testing. Allele origin: unknown.

Revvity Omics, Revvity
Classification: Uncertain significance. Last evaluated: 2019-08-28. Review status: criteria provided, single submitter. Criteria: ACMG Guidelines, 2015. Collection method: clinical testing. Allele origin: germline.

Eurofins Ntd Llc (ga)
Classification: Uncertain significance. Last evaluated: 2017-02-08. Review status: criteria provided, single submitter. Criteria: EGL Classification Definitions 2015. Collection method: clinical testing. Allele origin: germline. Observed: 1 variant allele, 1 heterozygote.

Zotz-Klimas Genetics Lab, MVZ Zotz Klimas
Classification: Uncertain significance for Congenital myasthenic syndrome 4A. Last evaluated: 2023-11-02. Review status: no assertion criteria provided. Collection method: clinical testing. Allele origin: germline. Affected: yes. Not counted in ClinVar's aggregate classification.

Literature cited by the submitters: PubMed 36891870 (cited by Natera, Inc.).

NM_000080.4(CHRNE):c.118C>T (p.Arg40Trp)

Genes: CHRNE (cholinergic receptor nicotinic epsilon subunit; minus strand), C17orf107 (chromosome 17 open reading frame 107; plus strand). Cytogenetic location: 17p13.2.
Variant type: single nucleotide variant.
Coding change: c.118C>T on transcript NM_000080.4 (MANE Select); coding-DNA position 118, C replaced by T.
Protein change: p.Arg40Trp; replaces arginine 40 with tryptophan.
Molecular consequence: missense variant. On other transcripts: 3 prime UTR variant (1).
Genome position (GRCh38, 1-based): chr17:4,902,692, G>A on the plus strand (C>T on the coding strand, the complement: CHRNE is on the minus strand). VCF-style: chr17-4902692-G-A. GRCh37 (hg19) VCF-style: chr17-4805987-G-A.
Other names: c.*2159G>A (NM_001145536.2); short protein forms R40W.
Identifiers: ClinVar variation 500208 (VCV000500208.16), dbSNP rs754001856, ClinGen allele CA8314602.